The following is an entry in ClinVar:

ClinVar aggregate classification (germline): Pathogenic (1 of 4 stars; one submission).

Conditions:
Hereditary cancer-predisposing syndrome. Also called: Neoplastic Syndromes, Hereditary; Tumor predisposition; Hereditary Cancer Syndrome; Hereditary neoplastic syndrome. Identifiers: Orphanet 140162, MedGen C0027672, MeSH D009386, MONDO:0015356.

Submission:

Ambry Genetics
Classification: Pathogenic for Hereditary cancer-predisposing syndrome. Last evaluated: 2026-02-11. Review status: criteria provided, single submitter. Criteria: Ambry Variant Classification Scheme 2023. Collection method: clinical testing. Allele origin: germline.
Comment: The c.5518_5519delAC pathogenic mutation, located in coding exon 36 of the ATM gene, results from a deletion of two nucleotides at nucleotide positions 5518 to 5519, causing a translational frameshift with a predicted alternate stop codon (p.T1840Cfs*8). This variant is considered to be rare based on population cohorts in the Genome Aggregation Database (gnomAD). This alteration is expected to result in loss of function by premature protein truncation or nonsense-mediated mRNA decay. As such, this alteration is interpreted as a disease-causing mutation.

NM_000051.4(ATM):c.5518_5519del (p.Thr1840fs)

Gene: ATM (ATM serine/threonine kinase; plus strand). Cytogenetic location: 11q22.3.
Variant type: Deletion.
Coding change: c.5518_5519del on transcript NM_000051.4 (MANE Select); coding-DNA positions 5518 to 5519, 2 bases deleted (AC; older notation c.5518_5519delAC).
Protein change: p.Thr1840fs; shifts the reading frame from threonine 1840.
Molecular consequence: frameshift variant.
Genome position (GRCh38, 1-based): chr11:108,304,696-108,304,697, AC deleted. VCF-style (leftmost placement, unchanged base first): chr11-108304695-GAC-G. GRCh37 (hg19) VCF-style: chr11-108175422-GAC-G.
Other names: c.5518_5519del, p.Thr1840fs (NM_001351834.2); short protein forms T1840fs.
Identifiers: ClinVar variation 4825520 (VCV004825520.1).